The following is an entry in ClinVar:

ClinVar aggregate classification (germline): Uncertain significance (1 of 4 stars; one submission).

Submission:

Labcorp Genetics (formerly Invitae), Labcorp
Classification: Uncertain significance. Last evaluated: 2023-09-21. Review status: criteria provided, single submitter. Criteria: Invitae Variant Classification Sherloc (09022015). Collection method: clinical testing. Allele origin: germline.
Comment: This variant results in a copy number gain of the genomic region encompassing exon(s) 27-28 of the RIMS1 gene. While the exact position of this variant cannot be determined from the data, sub-genic copy number gains are generally in tandem (PMID: 25640679). This variant is predicted to be out-of-frame, and may result in an absent or disrupted protein product. However, the current clinical and genetic evidence is not sufficient to establish whether loss-of-function variants in RIMS1 cause disease. This variant has not been reported in the literature in individuals affected with RIMS1-related conditions. Experimental studies and prediction algorithms are not available or were not evaluated, and the functional significance of this variant is currently unknown. In summary, the available evidence is currently insufficient to determine the role of this variant in disease. Therefore, it has been classified as a Variant of Uncertain Significance.

Literature cited by the submitters: PubMed 25640679.

NC_000006.11:g.(?_73016941)_(73023395_?)dup

Gene: RIMS1 (regulating synaptic membrane exocytosis 1; plus strand). Cytogenetic location: 6q13.
Variant type: Duplication.
Identifiers: ClinVar variation 1056265 (VCV001056265.6).